The following is an entry in ClinVar:

ClinVar aggregate classification (germline): Pathogenic (1 of 4 stars; one submission).

Submission:

Labcorp Genetics (formerly Invitae), Labcorp
Classification: Pathogenic. Last evaluated: 2020-04-23. Review status: criteria provided, single submitter. Criteria: Invitae Variant Classification Sherloc (09022015). Collection method: clinical testing. Allele origin: germline.
Comment: This sequence change affects a donor splice site in intron 39 of the COL4A2 gene. It is expected to disrupt RNA splicing and likely results in an absent or disrupted protein product. This variant is not present in population databases (ExAC no frequency). This variant has been observed in individual(s) with clinical features of porencephaly (Invitae). In at least one individual the variant was observed to be de novo. Algorithms developed to predict the effect of sequence changes on RNA splicing suggest that this variant may disrupt the consensus splice site, but this prediction has not been confirmed by published transcriptional studies. The current clinical and genetic evidence is not sufficient to establish whether loss-of-function variants in COL4A2 cause disease. For these reasons, this variant has been classified as Pathogenic.

NM_001846.4(COL4A2):c.3634+1G>A

Gene: COL4A2 (collagen type IV alpha 2 chain; plus strand). Cytogenetic location: 13q34.
Variant type: single nucleotide variant.
Coding change: c.3634+1G>A on transcript NM_001846.4 (MANE Select); the canonical splice donor site of the intron after coding-DNA position 3634, G replaced by A.
Molecular consequence: splice donor variant.
Genome position (GRCh38, 1-based): chr13:110,493,283, G>A. VCF-style: chr13-110493283-G-A. GRCh37 (hg19) VCF-style: chr13-111145630-G-A.
Identifiers: ClinVar variation 1074537 (VCV001074537.9), dbSNP rs2139538797, ClinGen allele CA388733049.